The following is an entry in ClinVar:

NM_006361.6(HOXB13):c.527G>A (p.Gly176Asp)

Gene: HOXB13 (homeobox B13; minus strand). Cytogenetic location: 17q21.32.
Variant type: single nucleotide variant.
Coding change: c.527G>A on transcript NM_006361.6 (MANE Select); coding-DNA position 527, G replaced by A.
Protein change: p.Gly176Asp; replaces glycine 176 with aspartic acid.
Molecular consequence: missense variant.
Genome position (GRCh38, 1-based): chr17:48,728,067, C>T on the plus strand (G>A on the coding strand, the complement: HOXB13 is on the minus strand). VCF-style: chr17-48728067-C-T. GRCh37 (hg19) VCF-style: chr17-46805429-C-T.
Other names: short protein forms G176D.
Identifiers: ClinVar variation 4035947 (VCV004035947.1).

ClinVar aggregate classification (germline): Uncertain significance (1 of 4 stars; one submission).

Conditions:
Hereditary cancer-predisposing syndrome. Also called: Neoplastic Syndromes, Hereditary; Tumor predisposition; Hereditary neoplastic syndrome; Hereditary Cancer Syndrome. Identifiers: Orphanet 140162, MedGen C0027672, MeSH D009386, MONDO:0015356.

gnomAD v4.1: 1 of 1,614,216 alleles (0.000062%); highest among the groups gnomAD compares: East Asian, 0.0022%; no homozygotes.

Submission:

Ambry Genetics
Classification: Uncertain significance for Hereditary cancer-predisposing syndrome. Last evaluated: 2025-05-09. Review status: criteria provided, single submitter. Criteria: Ambry Variant Classification Scheme 2023. Collection method: clinical testing. Allele origin: germline.
Comment: The p.G176D variant (also known as c.527G>A), located in coding exon 1 of the HOXB13 gene, results from a G to A substitution at nucleotide position 527. The glycine at codon 176 is replaced by aspartic acid, an amino acid with similar properties. This amino acid position is not well conserved in available vertebrate species. In addition, this alteration is predicted to be tolerated by in silico analysis. Based on the available evidence, the clinical significance of this variant remains unclear.